The following is an entry in ClinVar:

NM_001458.5(FLNC):c.7963T>C (p.Ser2655Pro)

Genes: FLNC-AS1 (FLNC antisense RNA 1; minus strand), FLNC (filamin C; plus strand). Cytogenetic location: 7q32.1.
Variant type: single nucleotide variant.
Coding change: c.7963T>C on transcript NM_001458.5 (MANE Select); coding-DNA position 7963, T replaced by C.
Protein change: p.Ser2655Pro; replaces serine 2655 with proline.
Molecular consequence: missense variant.
Genome position (GRCh38, 1-based): chr7:128,858,190, T>C. VCF-style: chr7-128858190-T-C. GRCh37 (hg19) VCF-style: chr7-128498244-T-C.
Other names: c.7864T>C, p.Ser2622Pro (NM_001127487.2); short protein forms S2622P, S2655P.
Identifiers: ClinVar variation 3758024 (VCV003758024.2).

ClinVar aggregate classification (germline): Uncertain significance (1 of 4 stars; one submission).

Conditions:
Distal myopathy with posterior leg and anterior hand involvement. Also called: WILLIAMS DISTAL MYOPATHY. Identifiers: Orphanet 63273, MedGen C3279722, MONDO:0013550, OMIM 614065.
Hypertrophic cardiomyopathy 26. Also called: Cardiomyopathy, familial hypertrophic, 26. Identifiers: Orphanet 75249, MedGen C4310749, MONDO:0014883, OMIM 617047.
Myofibrillar myopathy 5. Also called: Filaminopathy (type); FILAMINOPATHY, AUTOSOMAL DOMINANT. Identifiers: Orphanet 171445, MedGen C1836050, MONDO:0012289, OMIM 609524.

gnomAD v4.1: 1 of 1,520,814 alleles (0.000066%); highest among the groups gnomAD compares: Non-Finnish European, 0.000091%; no homozygotes.

Submission:

Labcorp Genetics (formerly Invitae), Labcorp
Classification: Uncertain significance for Distal myopathy with posterior leg and anterior hand involvement; Myofibrillar myopathy 5; Hypertrophic cardiomyopathy 26. Last evaluated: 2024-10-24. Review status: criteria provided, single submitter. Criteria: Invitae Variant Classification Sherloc (09022015). Collection method: clinical testing. Allele origin: germline.
Comment: This sequence change replaces serine, which is neutral and polar, with proline, which is neutral and non-polar, at codon 2655 of the FLNC protein (p.Ser2655Pro). This variant is not present in population databases (gnomAD no frequency). This variant has not been reported in the literature in individuals affected with FLNC-related conditions. Invitae Evidence Modeling of protein sequence and biophysical properties (such as structural, functional, and spatial information, amino acid conservation, physicochemical variation, residue mobility, and thermodynamic stability) indicates that this missense variant is not expected to disrupt FLNC protein function with a negative predictive value of 95%. In summary, the available evidence is currently insufficient to determine the role of this variant in disease. Therefore, it has been classified as a Variant of Uncertain Significance.